The following is an entry in ClinVar:

NM_133178.4(PTPRU):c.1563+7T>G

Gene: PTPRU (protein tyrosine phosphatase receptor type U; plus strand). Cytogenetic location: 1p35.3.
Variant type: single nucleotide variant.
Coding change: c.1563+7T>G on transcript NM_133178.4 (MANE Select); 7 bases into the intron after coding-DNA position 1563, T replaced by G.
Molecular consequence: intron variant.
Genome position (GRCh38, 1-based): chr1:29,279,128, T>G. VCF-style: chr1-29279128-T-G. GRCh37 (hg19) VCF-style: chr1-29605640-T-G.
Other names: c.1563+7T>G (NM_005704.5, NM_133177.4, NM_001195001.2).
Identifiers: ClinVar variation 3038491 (VCV003038491.2), dbSNP rs1685945377, ClinGen allele CA1000061807.
Genomic context (GRCh38, chr1:29,279,128, plus strand): 5'-TTCCTCAAGTGGGAGGAGCCCCAGGAGCCCAATGGTCTCATCACCCAGTATGAGGTGGGT[T>G]TGGGACCCTATTACAGTGGGGGACCCTGGTGGAAGGTGAGAGGTGGCCCTCTTTCTCTCT-3'

ClinVar aggregate classification (germline): Likely benign (0 of 4 stars; one submission).

Conditions:
PTPRU-related disorder. Also called: PTPRU-related condition.

Submission:

PreventionGenetics, part of Exact Sciences
Classification: Likely benign for PTPRU-related condition. Last evaluated: 2019-09-13. Review status: no assertion criteria provided. Collection method: clinical testing. Allele origin: germline.
Comment: This variant is classified as likely benign based on ACMG/AMP sequence variant interpretation guidelines (Richards et al. 2015 PMID: 25741868, with internal and published modifications).